The following is an entry in ClinVar:

NM_001164508.2(NEB):c.2296A>T (p.Lys766Ter)

Gene: NEB (nebulin; minus strand). Cytogenetic location: 2q23.3.
Variant type: single nucleotide variant.
Coding change: c.2296A>T on transcript NM_001164508.2 (MANE Select); coding-DNA position 2296, A replaced by T.
Protein change: p.Lys766Ter; replaces lysine 766 with a stop codon.
Molecular consequence: nonsense.
Genome position (GRCh38, 1-based): chr2:151,690,741, T>A on the plus strand (A>T on the coding strand, the complement: NEB is on the minus strand). VCF-style: chr2-151690741-T-A. GRCh37 (hg19) VCF-style: chr2-152547255-T-A.
Other names: c.2296A>T, p.Lys766Ter (NM_001164507.2, NM_001271208.2, NM_004543.5); short protein forms K766*.
Identifiers: ClinVar variation 5015135 (VCV005015135.1).

ClinVar aggregate classification (germline): Pathogenic (1 of 4 stars; one submission).

Conditions:
Nemaline myopathy 2 (NEM2). Also called: Nemaline myopathy 2, autosomal recessive. Identifiers: MedGen C1850569, MONDO:0009725, OMIM 256030.

Submission:

Myriad Genetics, Inc.
Classification: Pathogenic for Nemaline myopathy 2. Last evaluated: 2025-10-23. Review status: criteria provided, single submitter. Criteria: Myriad Autosomal Dominant, Autosomal Recessive and X-Linked Classification Criteria (2023). Collection method: clinical testing. Allele origin: unknown.
Comment: NM_001271208.1(NEB):c.2296A>T(K766*) is expected to be pathogenic in the context of NEB-related nemaline myopathy. This variant is predicted to lead to an abnormal or absent protein product due to the creation of a premature termination codon in NEB, a gene where loss-of-function variants are known to be pathogenic. Please note: this variant was assessed in the context of healthy population screening.